The following is an entry in ClinVar:

NM_006493.4(CLN5):c.441_442dup (p.His148fs)

Gene: CLN5 (CLN5 lysosomal BMP synthase; plus strand). Cytogenetic location: 13q22.3.
Variant type: Duplication.
Coding change: c.441_442dup on transcript NM_006493.4 (MANE Select); coding-DNA positions 441 to 442, 2 bases duplicated (CC; older notation c.441_442dupCC).
Protein change: p.His148fs; shifts the reading frame from histidine 148.
Molecular consequence: frameshift variant.
Genome position (GRCh38, 1-based): chr13:76,996,003-76,996,004, CC duplicated; duplicating any 2 consecutive bases within chr13:76,996,001-76,996,004 gives the same sequence; the c. name uses the placement nearest the transcript's 3' end. VCF-style (leftmost placement, unchanged base first): chr13-76996000-T-TCC. GRCh37 (hg19) VCF-style: chr13-77570135-T-TCC.
Other names: c.441_442dup, p.His148fs (NM_001366624.2); short protein forms H148fs.
Identifiers: ClinVar variation 2866615 (VCV002866615.5), dbSNP rs2501140045, ClinGen allele CA2623298545.

ClinVar aggregate classification (germline): Pathogenic/Likely pathogenic. Review status: criteria provided, multiple submitters, no conflicts (2 of 4 stars). 3 submissions from 3 submitters: Pathogenic (1); Likely pathogenic (2). Last evaluated 2025-11-13.

Conditions:
Neuronal ceroid lipofuscinosis. Also called: Neuronal Ceroid Lipofuscinoses. Identifiers: Orphanet 216, Orphanet 79263, MedGen C0027877, MONDO:0016295. Disease mechanism: loss of function.
Neuronal ceroid lipofuscinosis 5 (CLN5). Also called: CEROID LIPOFUSCINOSIS, NEURONAL, 5, VARIABLE AGE AT ONSET; Neuronal ceroid lipofuscinosis Finnish variant; NEURONAL CEROID LIPOFUSCINOSIS, LATE INFANTILE, FINNISH VARIANT; CLN5-Related Neuronal Ceroid-Lipofuscinosis. Identifiers: Orphanet 168491, Orphanet 228360, MedGen C1850442, MONDO:0009745, OMIM 256731.

Submissions (3):

Labcorp Genetics (formerly Invitae), Labcorp
Classification: Pathogenic for Neuronal ceroid lipofuscinosis. Last evaluated: 2025-11-13. Review status: criteria provided, single submitter. Criteria: Invitae Variant Classification Sherloc (09022015). Collection method: clinical testing. Allele origin: germline.
Comment: This sequence change creates a premature translational stop signal (p.His197Profs*35) in the CLN5 gene. It is expected to result in an absent or disrupted protein product. Loss-of-function variants in CLN5 are known to be pathogenic (PMID: 20157158). This variant is not present in population databases (gnomAD no frequency). This variant has not been reported in the literature in individuals affected with CLN5-related conditions. ClinVar contains an entry for this variant (Variation ID: 2866615). For these reasons, this variant has been classified as Pathogenic.

Natera, Inc.
Classification: Likely pathogenic for Neuronal ceroid lipofuscinosis. Last evaluated: 2025-02-28. Review status: criteria provided, single submitter. Criteria: Natera Variant Classification Schema (03/2026). Collection method: clinical testing. Allele origin: germline.
Comment: The c.588_589dup variant in CLN5 is a frameshift variant predicted to shift the reading frame beginning at codon 197 and leads to a stop codon 35 codons downstream. This variant is expected to result in nonsense mediated decay, truncation, or a dysfunctional protein product. This variant is rare in the general population with a frequency below the threshold expected for the associated phenotype(s). Given the available evidence, this variant is classified as Likely Pathogenic.

Baylor Genetics
Classification: Likely pathogenic for Neuronal ceroid lipofuscinosis 5. Last evaluated: 2024-03-26. Review status: criteria provided, single submitter. Criteria: ACMG Guidelines, 2015. Collection method: clinical testing. Allele origin: unknown.

Literature cited by the submitters: PubMed 20157158 (cited by Labcorp Genetics (formerly Invitae), Labcorp).